The following is an entry in ClinVar:

NM_001145809.2(MYH14):c.1787T>C (p.Leu596Pro)

Gene: MYH14 (myosin heavy chain 14; plus strand). Cytogenetic location: 19q13.33.
Variant type: single nucleotide variant.
Coding change: c.1787T>C on transcript NM_001145809.2 (MANE Select); coding-DNA position 1787, T replaced by C.
Protein change: p.Leu596Pro; replaces leucine 596 with proline.
Molecular consequence: missense variant.
Genome position (GRCh38, 1-based): chr19:50,250,645, T>C. VCF-style: chr19-50250645-T-C. GRCh37 (hg19) VCF-style: chr19-50753902-T-C.
Other names: c.1787T>C, p.Leu596Pro (NM_001077186.2); c.1763T>C, p.Leu588Pro (NM_024729.4); short protein forms L596P, L588P.
Identifiers: ClinVar variation 2825864 (VCV002825864.3), dbSNP rs2514362250, ClinGen allele CA406960299.
Genomic context (GRCh38, chr19:50,250,645, plus strand): 5'-TTGTGGAGAAGGTAGCCCAGGAGCAGGGCGGCCACCCCAAGTTCCAGCGGCCGAGGCACC[T>C]GCGGGATCAGGCCGACTTCAGTGTTCTCCACTACGCGGGCAAGGTAGGGGCTGGGGCCGG-3'
Protein context (NP_001139281.1, residues 586-606): GHPKFQRPRH[Leu596Pro]RDQADFSVLH

ClinVar aggregate classification (germline): Uncertain significance (1 of 4 stars; one submission).

Submission:

Labcorp Genetics (formerly Invitae), Labcorp
Classification: Uncertain significance. Last evaluated: 2023-01-01. Review status: criteria provided, single submitter. Criteria: Invitae Variant Classification Sherloc (09022015). Collection method: clinical testing. Allele origin: germline.
Comment: In summary, the available evidence is currently insufficient to determine the role of this variant in disease. Therefore, it has been classified as a Variant of Uncertain Significance. This sequence change replaces leucine, which is neutral and non-polar, with proline, which is neutral and non-polar, at codon 588 of the MYH14 protein (p.Leu588Pro). This variant is not present in population databases (gnomAD no frequency). This variant has not been reported in the literature in individuals affected with MYH14-related conditions. Advanced modeling of protein sequence and biophysical properties (such as structural, functional, and spatial information, amino acid conservation, physicochemical variation, residue mobility, and thermodynamic stability) performed at Invitae indicates that this missense variant is not expected to disrupt MYH14 protein function.